The following is an entry in ClinVar:

NM_001111.5(ADAR):c.1954G>C (p.Val652Leu)

Gene: ADAR (adenosine deaminase RNA specific; minus strand). Cytogenetic location: 1q21.3.
Variant type: single nucleotide variant.
Coding change: c.1954G>C on transcript NM_001111.5 (MANE Select); coding-DNA position 1954, G replaced by C.
Protein change: p.Val652Leu; replaces valine 652 with leucine.
Molecular consequence: missense variant.
Genome position (GRCh38, 1-based): chr1:154,597,248, C>G on the plus strand (G>C on the coding strand, the complement: ADAR is on the minus strand). VCF-style: chr1-154597248-C-G. GRCh37 (hg19) VCF-style: chr1-154569724-C-G.
Other names: c.1069G>C, p.Val357Leu (NM_001025107.3, NM_001193495.2, NM_001365046.1 and 3 more transcripts); c.1981G>C, p.Val661Leu (NM_001365045.1); c.1954G>C, p.Val652Leu (NM_015840.4, NM_015841.4); short protein forms V357L, V652L, V661L.
Identifiers: ClinVar variation 4791846 (VCV004791846.1).

ClinVar aggregate classification (germline): Uncertain significance (1 of 4 stars; one submission).

Conditions:
Aicardi-Goutieres syndrome 6 (AGS6). Identifiers: Orphanet 51, MedGen C3539013, MONDO:0014007, OMIM 615010.
Symmetrical dyschromatosis of extremities (DSH). Also called: DYSCHROMATOSIS SYMMETRICA HEREDITARIA 1; RETICULATE ACROPIGMENTATION OF DOHI; SYMMETRIC DYSCHROMATOSIS OF THE EXTREMITIES; Dyschromatosis symmetrica hereditaria. Identifiers: Orphanet 41, MedGen C0406775, MONDO:0007483, OMIM 127400.

gnomAD v4.1: 1 of 1,614,068 alleles (0.000062%); highest among the groups gnomAD compares: African/African-American, 0.0013%; no homozygotes.

Submission:

Labcorp Genetics (formerly Invitae), Labcorp
Classification: Uncertain significance for Aicardi-Goutieres syndrome 6; Symmetrical dyschromatosis of extremities. Last evaluated: 2025-03-11. Review status: criteria provided, single submitter. Criteria: Invitae Variant Classification Sherloc (09022015). Collection method: clinical testing. Allele origin: germline.
Comment: This sequence change replaces valine, which is neutral and non-polar, with leucine, which is neutral and non-polar, at codon 652 of the ADAR protein (p.Val652Leu). This variant is not present in population databases (gnomAD no frequency). This variant has not been reported in the literature in individuals affected with ADAR-related conditions. Invitae Evidence Modeling of protein sequence and biophysical properties (such as structural, functional, and spatial information, amino acid conservation, physicochemical variation, residue mobility, and thermodynamic stability) indicates that this missense variant is not expected to disrupt ADAR protein function with a negative predictive value of 80%. In summary, the available evidence is currently insufficient to determine the role of this variant in disease. Therefore, it has been classified as a Variant of Uncertain Significance.